The following is an entry in ClinVar:

NM_002691.4(POLD1):c.3263A>G (p.Asp1088Gly)

Gene: POLD1 (DNA polymerase delta 1, catalytic subunit; plus strand). Cytogenetic location: 19q13.33.
Variant type: single nucleotide variant.
Coding change: c.3263A>G on transcript NM_002691.4 (MANE Select); coding-DNA position 3263, A replaced by G.
Protein change: p.Asp1088Gly; replaces aspartic acid 1088 with glycine.
Molecular consequence: missense variant. On other transcripts: non-coding transcript variant (1).
Genome position (GRCh38, 1-based): chr19:50,417,886, A>G. VCF-style: chr19-50417886-A-G. GRCh37 (hg19) VCF-style: chr19-50921143-A-G.
Other names: c.3341A>G, p.Asp1114Gly (NM_001308632.1); c.3263A>G, p.Asp1088Gly (NM_001256849.1); short protein forms D1088G, D1114G.
Identifiers: ClinVar variation 3781418 (VCV003781418.1).

ClinVar aggregate classification (germline): Uncertain significance (1 of 4 stars; one submission).

Conditions:
Hereditary cancer-predisposing syndrome. Also called: Neoplastic Syndromes, Hereditary; Hereditary Cancer Syndrome; Tumor predisposition; Hereditary neoplastic syndrome. Identifiers: Orphanet 140162, MedGen C0027672, MeSH D009386, MONDO:0015356.

Submission:

Ambry Genetics
Classification: Uncertain significance for Hereditary cancer-predisposing syndrome. Last evaluated: 2025-03-04. Review status: criteria provided, single submitter. Criteria: Ambry Variant Classification Scheme 2023. Collection method: clinical testing. Allele origin: germline.
Comment: The p.D1088G variant (also known as c.3263A>G), located in coding exon 26 of the POLD1 gene, results from an A to G substitution at nucleotide position 3263. The aspartic acid at codon 1088 is replaced by glycine, an amino acid with similar properties. This amino acid position is conserved. In addition, this alteration is predicted to be tolerated by in silico analysis. Based on the available evidence, the clinical significance of this variant remains unclear.